The following is an entry in ClinVar:

ClinVar aggregate classification (germline): Pathogenic (1 of 4 stars; one submission).

Conditions:
Polycystic kidney disease 4 (PKD4). Also called: POLYCYSTIC KIDNEY AND HEPATIC DISEASE 1; POLYCYSTIC KIDNEY DISEASE, INFANTILE, TYPE I; POLYCYSTIC KIDNEY DISEASE 4 WITH OR WITHOUT POLYCYSTIC LIVER DISEASE; PKD3; Autosomal Recessive Polycystic Kidney Disease – PKHD1. Identifiers: MedGen C4540575, MONDO:0033004, OMIM 263200.

Submission:

Myriad Genetics, Inc.
Classification: Pathogenic for Polycystic kidney disease 4. Last evaluated: 2024-11-16. Review status: criteria provided, single submitter. Criteria: Myriad Autosomal Dominant, Autosomal Recessive and X-Linked Classification Criteria (2023). Collection method: clinical testing. Allele origin: unknown.
Comment: NM_138694.3(PKHD1):c.7816_7819dupACAT(L2607Yfs*4) is expected to be pathogenic in the context of autosomal recessive polycystic kidney disease, PKHD1-related. This variant is predicted to lead to an abnormal or absent protein product due to the creation of a premature termination codon in PKHD1, a gene where loss-of-function variants are known to be pathogenic. Please note: this variant was assessed in the context of healthy population screening.

NM_138694.4(PKHD1):c.7816_7819dup (p.Leu2607fs)

Gene: PKHD1 (PKHD1 ciliary IPT domain containing fibrocystin/polyductin; minus strand). Cytogenetic location: 6p12.2.
Variant type: Duplication.
Coding change: c.7816_7819dup on transcript NM_138694.4 (MANE Select); coding-DNA positions 7816 to 7819, 4 bases duplicated (ACAT; older notation c.7816_7819dupACAT).
Protein change: p.Leu2607fs; shifts the reading frame from leucine 2607.
Molecular consequence: frameshift variant.
Genome position (GRCh38, 1-based): chr6:51,855,985-51,855,988, ATGT duplicated on the plus strand (ACAT on the coding strand, the reverse complement: PKHD1 is on the minus strand); duplicating any 4 consecutive bases within chr6:51,855,985-51,855,990 gives the same sequence; the c. name uses the placement nearest the transcript's 3' end. VCF-style (leftmost placement, unchanged base first): chr6-51855984-A-AATGT. GRCh37 (hg19) VCF-style: chr6-51720782-A-AATGT.
Other names: c.7816_7819dup, p.Leu2607fs (NM_170724.3); short protein forms L2607fs.
Identifiers: ClinVar variation 5013761 (VCV005013761.1).